The following is an entry in ClinVar:

NM_000035.4(ALDOB):c.-39T>C

Gene: ALDOB (aldolase, fructose-bisphosphate B; minus strand). Cytogenetic location: 9q31.1.
Variant type: single nucleotide variant.
Coding change: c.-39T>C on transcript NM_000035.4 (MANE Select); 39 bases upstream of the start codon, T replaced by C.
Molecular consequence: 5 prime UTR variant.
Genome position (GRCh38, 1-based): chr9:101,435,737, A>G on the plus strand (T>C on the coding strand, the complement: ALDOB is on the minus strand). VCF-style: chr9-101435737-A-G. GRCh37 (hg19) VCF-style: chr9-104198019-A-G.
Identifiers: ClinVar variation 4994721 (VCV004994721.1).
Genomic context (GRCh38, chr9:101,435,737, plus strand): 5'-TCCAGGTATACAAAGGAAGCTTTTTTACTTACAGTTTGGGAGAGAAGAGTCCTCCTAGAT[A>G]TCAAAAGCTGTGGGTGAGGCAGCAGCTGCCAAATAAGACAGATCTTTGGTAGCACACAAT-3'

ClinVar aggregate classification (germline): Likely benign (1 of 4 stars; one submission).

Conditions:
ALDOB-related disorder. Also called: ALDOB-related condition.

gnomAD v4.1: 5 of 152,170 alleles (0.0033%); highest among the groups gnomAD compares: Non-Finnish European, 0.0073%; no homozygotes.

Submission:

PreventionGenetics, part of Exact Sciences
Classification: Likely benign for ALDOB-related condition. Last evaluated: 2024-12-11. Review status: criteria provided, single submitter. Criteria: ACMG Guidelines, 2015. Collection method: clinical testing. Allele origin: germline.
Comment: This variant is classified as likely benign based on ACMG/AMP sequence variant interpretation guidelines (Richards et al. 2015 PMID: 25741868, with internal and published modifications).